The following is an entry in ClinVar:

ClinVar aggregate classification (germline): Uncertain significance (1 of 4 stars; one submission).

Allele frequency attached by ClinVar (database versions not stated): gnomAD exomes 0.00001.
gnomAD v4.1: 12 of 1,553,810 alleles (0.00077%); highest among the groups gnomAD compares: Non-Finnish European, 0.00096%; no homozygotes.

Submission:

Labcorp Genetics (formerly Invitae), Labcorp
Classification: Uncertain significance. Last evaluated: 2022-09-01. Review status: criteria provided, single submitter. Criteria: Invitae Variant Classification Sherloc (09022015). Collection method: clinical testing. Allele origin: germline.
Comment: In summary, the available evidence is currently insufficient to determine the role of this variant in disease. Therefore, it has been classified as a Variant of Uncertain Significance. Algorithms developed to predict the effect of missense changes on protein structure and function are either unavailable or do not agree on the potential impact of this missense change (SIFT: "Tolerated"; PolyPhen-2: "Probably Damaging"; Align-GVGD: "Class C0"). ClinVar contains an entry for this variant (Variation ID: 1478508). This variant has not been reported in the literature in individuals affected with INPPL1-related conditions. This variant is present in population databases (no rsID available, gnomAD 0.002%). This sequence change replaces leucine, which is neutral and non-polar, with phenylalanine, which is neutral and non-polar, at codon 562 of the INPPL1 protein (p.Leu562Phe).

NM_001567.4(INPPL1):c.1684C>T (p.Leu562Phe)

Gene: INPPL1 (inositol polyphosphate phosphatase like 1; plus strand). Cytogenetic location: 11q13.4.
Variant type: single nucleotide variant.
Coding change: c.1684C>T on transcript NM_001567.4 (MANE Select); coding-DNA position 1684, C replaced by T.
Protein change: p.Leu562Phe; replaces leucine 562 with phenylalanine.
Molecular consequence: missense variant.
Genome position (GRCh38, 1-based): chr11:72,232,308, C>T. VCF-style: chr11-72232308-C-T. GRCh37 (hg19) VCF-style: chr11-71943352-C-T.
Other names: short protein forms L562F.
Identifiers: ClinVar variation 1478508 (VCV001478508.6), dbSNP rs1270777719, ClinGen allele CA381729354.